The following is an entry in ClinVar:

NM_020706.2(SCAF4):c.1880A>G (p.Asn627Ser)

Gene: SCAF4 (SR-related CTD associated factor 4; minus strand). Cytogenetic location: 21q22.11.
Variant type: single nucleotide variant.
Coding change: c.1880A>G on transcript NM_020706.2 (MANE Select); coding-DNA position 1880, A replaced by G.
Protein change: p.Asn627Ser; replaces asparagine 627 with serine.
Molecular consequence: missense variant.
Genome position (GRCh38, 1-based): chr21:31,690,802, T>C on the plus strand (A>G on the coding strand, the complement: SCAF4 is on the minus strand). VCF-style: chr21-31690802-T-C. GRCh37 (hg19) VCF-style: chr21-33063115-T-C.
Other names: c.1835A>G, p.Asn612Ser (NM_001145444.1); c.1880A>G, p.Asn627Ser (NM_001145445.1); short protein forms N627S, N612S.
Identifiers: ClinVar variation 2301098 (VCV002301098.16), dbSNP rs758968564, ClinGen allele CA410046471.

ClinVar aggregate classification (germline): Uncertain significance. Review status: criteria provided, multiple submitters, no conflicts (2 of 4 stars). 2 submissions from 2 submitters: Uncertain significance (2). Last evaluated 2025-03-11.

Conditions:
Inborn genetic diseases. Identifiers: MedGen C0950123, MeSH D030342.

Allele frequency attached by ClinVar (database versions not stated): gnomAD 0.00001.
gnomAD v4.1: 1 of 1,611,984 alleles (0.000062%); highest among the groups gnomAD compares: Admixed American, 0.0017%; no homozygotes.

Submissions (2):

Ambry Genetics
Classification: Uncertain significance for Inborn genetic diseases. Last evaluated: 2025-03-11. Review status: criteria provided, single submitter. Criteria: Ambry Variant Classification Scheme 2023. Collection method: clinical testing. Allele origin: germline.

CeGaT Center for Human Genetics Tuebingen
Classification: Uncertain significance. Last evaluated: 2025-01-01. Review status: criteria provided, single submitter. Criteria: CeGaT Center For Human Genetics Tuebingen Variant Classification Criteria Version 2. Collection method: clinical testing. Allele origin: germline. Affected: yes. Observed: 1 variant allele.
Comment: SCAF4: PM2, BP4